The following is an entry in ClinVar:

ClinVar aggregate classification (germline): Conflicting classifications of pathogenicity. Review status: criteria provided, conflicting classifications (1 of 4 stars). 4 submissions from 4 submitters: Uncertain significance (1); Benign (3). Last evaluated 2026-02-04.

Conditions:
Meckel syndrome, type 11 (MKS11). Identifiers: Orphanet 564, MedGen C3809352, MONDO:0014164, OMIM 615397.
Joubert syndrome 20 (JBTS20). Identifiers: Orphanet 475, MedGen C3554235, MONDO:0013994, OMIM 614970.

Allele frequency attached by ClinVar (database versions not stated): ESP Exome Variant Server 0.00362; gnomAD 0.00375 and 0.00433; TOPMed 0.00408; 1000 Genomes Project 30x 0.00453; 1000 Genomes Project 0.00539; gnomAD exomes 0.00753; ExAC 0.00873.
gnomAD v4.1: 9,247 of 1,613,694 alleles (0.57%); highest among the groups gnomAD compares: South Asian, 2.9%; 77 homozygotes.

Submissions (4):

Labcorp Genetics (formerly Invitae), Labcorp
Classification: Benign for Joubert syndrome 20; Meckel syndrome, type 11. Last evaluated: 2026-02-04. Review status: criteria provided, single submitter. Criteria: Invitae Variant Classification Sherloc (09022015). Collection method: clinical testing. Allele origin: germline.

GeneDx
Classification: Benign. Last evaluated: 2017-08-21. Review status: criteria provided, single submitter. Criteria: GeneDx Variant Classification (06012015). Collection method: clinical testing. Allele origin: germline. Affected: yes.
Comment: This variant is considered likely benign or benign based on one or more of the following criteria: it is a conservative change, it occurs at a poorly conserved position in the protein, it is predicted to be benign by multiple in silico algorithms, and/or has population frequency not consistent with disease.

Genetic Services Laboratory, University of Chicago
Classification: Uncertain significance. Last evaluated: 2015-03-10. Review status: criteria provided, single submitter. Criteria: ACMG Guidelines, 2015. Collection method: clinical testing. Allele origin: germline.

PreventionGenetics, part of Exact Sciences
Classification: Benign. Review status: criteria provided, single submitter. Criteria: ACMG Guidelines, 2015. Collection method: clinical testing. Allele origin: germline.

NM_001077418.3(TMEM231):c.891G>A (p.Val297=)

Gene: TMEM231 (transmembrane protein 231; minus strand). Cytogenetic location: 16q23.1.
Variant type: single nucleotide variant.
Coding change: c.891G>A on transcript NM_001077418.3 (MANE Select); coding-DNA position 891, G replaced by A.
Protein change: p.Val297=; no amino-acid change (valine 297 retained).
Molecular consequence: synonymous variant. On other transcripts: non-coding transcript variant (1).
Genome position (GRCh38, 1-based): chr16:75,540,054, C>T on the plus strand (G>A on the coding strand, the complement: TMEM231 is on the minus strand). VCF-style: chr16-75540054-C-T. GRCh37 (hg19) VCF-style: chr16-75573952-C-T.
Other names: c.1050G>A, p.Val350= (NM_001077416.2).
Identifiers: ClinVar variation 212404 (VCV000212404.18), dbSNP rs149888762, ClinGen allele CA207208.